The following is an entry in ClinVar:

ClinVar aggregate classification (germline): Uncertain significance (1 of 4 stars; one submission).

Conditions:
Early-infantile DEE. Also called: Early infantile epileptic encephalopathy; Early infantile epileptic encephalopathy with suppression bursts; Ohtahara syndrome. Identifiers: Orphanet 1934, MedGen C0393706, MONDO:0800491.

Allele frequency attached by ClinVar (database versions not stated): gnomAD 0.00001; TOPMed 0.00001; gnomAD exomes 0.00002.

Submission:

Labcorp Genetics (formerly Invitae), Labcorp
Classification: Uncertain significance for Early-infantile DEE. Last evaluated: 2024-12-07. Review status: criteria provided, single submitter. Criteria: Invitae Variant Classification Sherloc (09022015). Collection method: clinical testing. Allele origin: germline.
Comment: This sequence change replaces tyrosine, which is neutral and polar, with histidine, which is basic and polar, at codon 1095 of the SCN1A protein (p.Tyr1095His). The frequency data for this variant in the population databases is considered unreliable, as metrics indicate poor data quality at this position in the gnomAD database. This missense change has been observed in individual(s) with seizures (internal data). This missense change has been observed in at least one individual who was not affected with SCN1A-related conditions (internal data). ClinVar contains an entry for this variant (Variation ID: 863537). Invitae Evidence Modeling of protein sequence and biophysical properties (such as structural, functional, and spatial information, amino acid conservation, physicochemical variation, residue mobility, and thermodynamic stability) has been performed for this missense variant. However, the output from this modeling did not meet the statistical confidence thresholds required to predict the impact of this variant on SCN1A protein function. In summary, the available evidence is currently insufficient to determine the role of this variant in disease. Therefore, it has been classified as a Variant of Uncertain Significance.

NM_001165963.4(SCN1A):c.3283T>C (p.Tyr1095His)

Genes: SCN1A (sodium voltage-gated channel alpha subunit 1; minus strand), LOC102724058 (uncharacterized LOC102724058; plus strand). Cytogenetic location: 2q24.3.
Variant type: single nucleotide variant.
Coding change: c.3283T>C on transcript NM_001165963.4 (MANE Select); coding-DNA position 3283, T replaced by C.
Protein change: p.Tyr1095His; replaces tyrosine 1095 with histidine.
Molecular consequence: missense variant. On other transcripts: non-coding transcript variant (2).
Genome position (GRCh38, 1-based): chr2:166,036,194, A>G on the plus strand (T>C on the coding strand, the complement: SCN1A is on the minus strand). VCF-style: chr2-166036194-A-G. GRCh37 (hg19) VCF-style: chr2-166892704-A-G.
Other names: c.3199T>C, p.Tyr1067His (NM_001165964.3, NM_001353957.2, NM_001353958.2); c.3283T>C, p.Tyr1095His (NM_001202435.3, NM_001353948.2); c.3250T>C, p.Tyr1084His (NM_001353949.2, NM_001353950.2, NM_001353951.2 and 2 more transcripts); c.3247T>C, p.Tyr1083His (NM_001353954.2, NM_001353955.2); c.3196T>C, p.Tyr1066His (NM_001353960.2); c.841T>C, p.Tyr281His (NM_001353961.2); short protein forms Y281H, Y1084H, Y1066H, Y1095H, Y1067H, Y1083H.
Identifiers: ClinVar variation 863537 (VCV000863537.10), dbSNP rs1388336286, ClinGen allele CA349059401.